The following is an entry in ClinVar:

NM_030632.3(ASXL3):c.1471C>T (p.Gln491Ter)

Gene: ASXL3 (ASXL transcriptional regulator 3; plus strand). Cytogenetic location: 18q12.1.
Variant type: single nucleotide variant.
Coding change: c.1471C>T on transcript NM_030632.3 (MANE Select); coding-DNA position 1471, C replaced by T.
Protein change: p.Gln491Ter; replaces glutamine 491 with a stop codon.
Molecular consequence: nonsense.
Genome position (GRCh38, 1-based): chr18:33,738,875, C>T. VCF-style: chr18-33738875-C-T. GRCh37 (hg19) VCF-style: chr18-31318839-C-T.
Other names: short protein forms Q491*.
Identifiers: ClinVar variation 417928 (VCV000417928.9), dbSNP rs1060499602, ClinGen allele CA16616935.

ClinVar aggregate classification (germline): Pathogenic/Likely pathogenic. Review status: criteria provided, multiple submitters, no conflicts (2 of 4 stars). 4 submissions from 4 submitters: Pathogenic (2); Likely pathogenic (1). 1 of the submissions does not count toward it. Last evaluated 2020-04-08.

Conditions:
Bainbridge-Ropers syndrome. Also called: Severe feeding difficulties-failure to thrive-microcephaly due to ASXL3 deficiency syndrome. Identifiers: Orphanet 352577, MedGen C4750837, MONDO:0014205, OMIM 615485.
Intellectual disability. Also called: intellectual disabilities; Intellectual functioning disability; Intellectual developmental disorder. Identifiers: MedGen C3714756, MeSH D008607, MONDO:0001071, HP:0001249.

Submissions (4):

Cambridge Genomics Laboratory, East Genomic Laboratory Hub, NHS Genomic Medicine Service
Classification: Pathogenic for Intellectual disability. Last evaluated: 2020-04-08. Review status: criteria provided, single submitter. Criteria: ACGS Best Practice Guidelines for Variant Classification in Rare Disease 2020. Collection method: clinical testing. Allele origin: germline. Affected: yes. Observed: 1 variant allele.

GeneDx
Classification: Likely pathogenic. Last evaluated: 2019-11-13. Review status: criteria provided, single submitter. Criteria: GeneDx Variant Classification Process June 2021. Collection method: clinical testing. Allele origin: germline. Affected: yes.
Comment: Nonsense variant predicted to result in protein truncation or nonsense mediated decay in a gene for which loss-of-function is a known mechanism of disease; Not observed in large population cohorts (Lek et al., 2016); Has not been previously published as pathogenic or benign to our knowledge

Eurofins Ntd Llc (ga)
Classification: Pathogenic. Last evaluated: 2017-01-27. Review status: criteria provided, single submitter. Criteria: EGL Classification Definitions 2015. Collection method: clinical testing. Allele origin: germline.

Division of Human Genetics, Children's Hospital of Philadelphia
Classification: Likely pathogenic for Bainbridge-Ropers syndrome. Last evaluated: 2016-06-29. Review status: no assertion criteria provided. Collection method: research. Allele origin: de novo. Affected: yes. Study: CSER-PediSeq. Not counted in ClinVar's aggregate classification.